The following is an entry in ClinVar:

ClinVar aggregate classification (germline): Likely pathogenic. Review status: reviewed by expert panel (3 of 4 stars). 3 submissions from 3 submitters: Likely pathogenic (1). 2 of the submissions do not count toward it. Last evaluated 2026-04-20.

Conditions:
Malignant hyperthermia of anesthesia. Also called: Anesthesic-triggered malignant hyperthermia. Identifiers: Orphanet 423, MedGen C0024591, MONDO:0018493, HP:0034733.
Malignant hyperthermia, susceptibility to, 1 (MHS1). Also called: RYR1-Related Malignant Hyperthermia Susceptibility; Malignant hyperthermia suceptibility 1; Anesthesia related hyperthermia; Malignant hyperpyrexia; Fulminating hyperpyrexia; Pharmacogenic myopathy. Identifiers: Orphanet 423, MedGen C2930980, MONDO:0007783, OMIM 145600.
Central core myopathy (CMYO1A). Also called: CONGENITAL MYOPATHY 1A, AUTOSOMAL DOMINANT, WITH SUSCEPTIBILITY TO MALIGNANT HYPERTHERMIA; Central core disease; Myopathy, central fibrillar. Identifiers: Orphanet 597, MedGen C5830701, MONDO:0007294, OMIM 117000.

Submissions (3):

ClinGen Malignant Hyperthermia Susceptibility Variant Curation Expert Panel, ClinGen
Classification: Likely pathogenic for Malignant hyperthermia of anesthesia. Last evaluated: 2026-04-20. Review status: reviewed by expert panel. Criteria: RYR1-MHS Interpretation Guidelines V2. Collection method: curation. Allele origin: unknown. Inheritance: Autosomal dominant inheritance. Affected: yes.
Comment: This pathogenicity assessment is relevant only for malignant hyperthermia susceptibility (MHS) inherited in an autosomal dominant pattern. Variants in RYR1 can also cause other myopathies inherited in an autosomal dominant pattern or in an autosomal recessive pattern. Some of these disorders may predispose individuals to malignant hyperthermia. RYR1 variants may also contribute to a malignant hyperthermia reaction in combination with other genetic and non-genetic factors and the clinician needs to consider such factors in making management decisions. This sequence variant predicts a substitution of glycine with arginine at codon 2375 of the RYR1 protein, NM_000540.2:c.7123G>C; p.(Gly2375Arg). This variant has been reported in an individual with a personal or family history of an MH episode and a positive in vitro contracture test (IVCT) or caffeine halothane contracture test (CHCT) result (if the proband was unavailable for testing, a positive diagnostic test result in a mutation-positive relative was counted), PS4_Supporting (PMID:41153347 ). No functional studies were identified for this variant. This variant resides in a region of RYR1 considered to be a hotspot for pathogenic variants that contribute to MHS, PM1_Supporting (PMID:21118704). Another variant that has been assessed as likely pathogenic occurs at this codon, NM_000540.2:c.7123G>A; p.(Gly2375Arg), PS1_Moderate (PMID:30236257). A REVEL score >0.85 (0.9) supports a pathogenic status for this variant, PP3_Moderate. This variant has been classified as Likely Pathogenic. Criteria implemented: PS1_Moderate, PS4_Supporting, PM1_Supporting, PP3_Moderate.

Department of Clinical Genetics, Copenhagen University Hospital, Rigshospitalet
Classification: Likely pathogenic for Central core myopathy. Last evaluated: 2024-10-22. Review status: criteria provided, single submitter. Criteria: ACMG Guidelines, 2015. Collection method: clinical testing. Allele origin: germline. Not counted in ClinVar's aggregate classification.
Comment: PS1_Str, PP3_M, PP2_Sup, PM2_Sup

Mendelics
Classification: Likely pathogenic for Malignant hyperthermia, susceptibility to, 1. Last evaluated: 2019-05-28. Review status: criteria provided, single submitter. Criteria: Mendelics Assertion Criteria 2017. Collection method: clinical testing. Allele origin: unknown. Not counted in ClinVar's aggregate classification.

NM_000540.3(RYR1):c.7123G>C (p.Gly2375Arg)

Gene: RYR1 (ryanodine receptor 1; plus strand). Cytogenetic location: 19q13.2.
Variant type: single nucleotide variant.
Coding change: c.7123G>C on transcript NM_000540.3 (MANE Select); coding-DNA position 7123, G replaced by C.
Protein change: p.Gly2375Arg; replaces glycine 2375 with arginine.
Molecular consequence: missense variant.
Genome position (GRCh38, 1-based): chr19:38,499,730, G>C. VCF-style: chr19-38499730-G-C. GRCh37 (hg19) VCF-style: chr19-38990370-G-C.
Other names: c.7123G>C, p.Gly2375Arg (NM_001042723.2); c.7123G>C (NM_000540.2); short protein forms G2375R.
Identifiers: ClinVar variation 803554 (VCV000803554.3), dbSNP rs1568501059, ClinGen allele CA405668243.
Genomic context (GRCh38, chr19:38,499,730, plus strand): 5'-CGGCTGCTCATCCGGAAGCCTGAGTGCTTCGGACCCGCCCTGCGGGGTGAGGGTGGCTCA[G>C]GGCTGCTGGCTGCCATCGAAGAGGCCATCCGCATCTCCGAGGACCCTGCGAGGGATGGCC-3'
Protein context (NP_000531.2, residues 2365-2385): GPALRGEGGS[Gly2375Arg]LLAAIEEAIR